The following is an entry in ClinVar:

ClinVar aggregate classification (germline): Uncertain significance (1 of 4 stars; one submission).

Conditions:
Pheochromocytoma/paraganglioma syndrome 3. Also called: GLOMUS TUMORS, FAMILIAL, 3; SDHC-Related Hereditary Paraganglioma-Pheochromocytoma Syndrome; SDHC-Related Hereditary Paraganglioma-Pheochromocytoma Syndrome (Paragangliomas 3); Paragangliomas 3. Identifiers: Orphanet 29072, MedGen C1854336, MONDO:0011544, OMIM 605373.
Gastrointestinal stromal tumor. Also called: Gastrointestinal stroma tumor; Gastrointestinal stromal tumor, somatic. Identifiers: Orphanet 44890, MedGen C0238198, MeSH D046152, MONDO:0011719, OMIM 606764, HP:0100723.

Submission:

Labcorp Genetics (formerly Invitae), Labcorp
Classification: Uncertain significance for Pheochromocytoma/paraganglioma syndrome 3; Gastrointestinal stromal tumor. Last evaluated: 2022-10-14. Review status: criteria provided, single submitter. Criteria: Invitae Variant Classification Sherloc (09022015). Collection method: clinical testing. Allele origin: germline.
Comment: This variant has not been reported in the literature in individuals affected with SDHC-related conditions. In summary, the available evidence is currently insufficient to determine the role of this variant in disease. Therefore, it has been classified as a Variant of Uncertain Significance. Algorithms developed to predict the effect of missense changes on protein structure and function are either unavailable or do not agree on the potential impact of this missense change (SIFT: "Deleterious"; PolyPhen-2: "Probably Damaging"; Align-GVGD: "Class C0"). This variant is not present in population databases (gnomAD no frequency). This sequence change replaces glycine, which is neutral and non-polar, with arginine, which is basic and polar, at codon 31 of the SDHC protein (p.Gly31Arg).

NM_003001.5(SDHC):c.91G>C (p.Gly31Arg)

Gene: SDHC (succinate dehydrogenase complex subunit C; plus strand). Cytogenetic location: 1q23.3.
Variant type: single nucleotide variant.
Coding change: c.91G>C on transcript NM_003001.5 (MANE Select); coding-DNA position 91, G replaced by C.
Protein change: p.Gly31Arg; replaces glycine 31 with arginine.
Molecular consequence: missense variant. On other transcripts: 5 prime UTR variant (2), non-coding transcript variant (1), intron variant (4).
Genome position (GRCh38, 1-based): chr1:161,328,409, G>C. VCF-style: chr1-161328409-G-C. GRCh37 (hg19) VCF-style: chr1-161298199-G-C.
Other names: c.91G>C, p.Gly31Arg (NM_001035511.3, NM_001407115.1); c.34G>C, p.Gly12Arg (NM_001407116.1, NM_001407117.1, NM_001407121.1); c.-21G>C (NM_001407119.1, NM_001407120.1); c.77+4739G>C (NM_001035512.3, NM_001278172.3, NM_001407118.1); c.21-12185G>C (NM_001035513.3); short protein forms G12R, G31R.
Identifiers: ClinVar variation 1721604 (VCV001721604.6), dbSNP rs2102307595, ClinGen allele CA343360878.